The following is an entry in ClinVar:

ClinVar aggregate classification (germline): Uncertain significance. Review status: criteria provided, multiple submitters, no conflicts (2 of 4 stars). 2 submissions from 2 submitters: Uncertain significance (2). Last evaluated 2026-01-19.

Conditions:
Inborn genetic diseases. Identifiers: MedGen C0950123, MeSH D030342.

gnomAD v4.1: 7 of 1,614,048 alleles (0.00043%); highest among the groups gnomAD compares: Admixed American, 0.012%; no homozygotes.

Submissions (2):

Labcorp Genetics (formerly Invitae), Labcorp
Classification: Uncertain significance. Last evaluated: 2026-01-19. Review status: criteria provided, single submitter. Criteria: Invitae Variant Classification Sherloc (09022015). Collection method: clinical testing. Allele origin: germline.
Comment: This sequence change replaces aspartic acid, which is acidic and polar, with asparagine, which is neutral and polar, at codon 590 of the TRPV6 protein (p.Asp590Asn). This variant is present in population databases (no rsID available, gnomAD 0.009%). This variant has not been reported in the literature in individuals affected with TRPV6-related conditions. ClinVar contains an entry for this variant (Variation ID: 3462361). An algorithm developed to predict the effect of missense changes on protein structure and function outputs the following: PolyPhen-2: "Not Available". The asparagine amino acid residue is found in multiple mammalian species, which suggests that this missense change does not adversely affect protein function. In summary, the available evidence is currently insufficient to determine the role of this variant in disease. Therefore, it has been classified as a Variant of Uncertain Significance.

Ambry Genetics
Classification: Uncertain significance for Inborn genetic diseases. Last evaluated: 2024-06-30. Review status: criteria provided, single submitter. Criteria: Ambry Variant Classification Scheme 2023. Collection method: clinical testing. Allele origin: germline.

NM_018646.6(TRPV6):c.1768G>A (p.Asp590Asn)

Gene: TRPV6 (transient receptor potential cation channel subfamily V member 6; minus strand). Cytogenetic location: 7q34.
Variant type: single nucleotide variant.
Coding change: c.1768G>A on transcript NM_018646.6 (MANE Select); coding-DNA position 1768, G replaced by A.
Protein change: p.Asp590Asn; replaces aspartic acid 590 with asparagine.
Molecular consequence: missense variant.
Genome position (GRCh38, 1-based): chr7:142,873,588, C>T on the plus strand (G>A on the coding strand, the complement: TRPV6 is on the minus strand). VCF-style: chr7-142873588-C-T. GRCh37 (hg19) VCF-style: chr7-142571341-C-T.
Other names: short protein forms D590N.
Identifiers: ClinVar variation 3462361 (VCV003462361.2).
Genomic context (GRCh38, chr7:142,873,588, plus strand): 5'-TGAGCAGTGTGGCGATGATGGCAAAGGCAGCATAGGTGATGCTGTACATGAAGGGCAGGT[C>T]CACGTTGTAGTTGGCTGGGCCATCGATGATGGTAAGGAACAGCTCGAAGGTGCTGAACAG-3'
Protein context (NP_061116.5, residues 580-600): IIDGPANYNV[Asp590Asn]LPFMYSITYA